The following is an entry in ClinVar:

NM_006231.4(POLE):c.5379-5_5384del

Gene: POLE (DNA polymerase epsilon, catalytic subunit; minus strand). Cytogenetic location: 12q24.33.
Variant type: Deletion.
Coding change: c.5379-5_5384del on transcript NM_006231.4 (MANE Select); 5 bases into the intron before coding-DNA position 5379 through coding-DNA position 5384, 11 bases deleted (TTCAGGATCCT).
Molecular consequence: splice acceptor variant.
Genome position (GRCh38, 1-based): chr12:132,639,293-132,639,303, AGGATCCTGAA deleted on the plus strand (TTCAGGATCCT on the coding strand, the reverse complement: POLE is on the minus strand); deleting any 11 consecutive bases within chr12:132,639,293-132,639,305 gives the same sequence; the c. name uses the placement nearest the transcript's 3' end. VCF-style (leftmost placement, unchanged base first): chr12-132639292-CAGGATCCTGAA-C. GRCh37 (hg19) VCF-style: chr12-133215878-CAGGATCCTGAA-C.
Identifiers: ClinVar variation 806968 (VCV000806968.45), dbSNP rs1593722216, ClinGen allele CA915946806.
Genomic context (GRCh38, chr12:132,639,292, plus strand): 5'-GTCTGCATAGATGTTGTGGTACTGGGTGATCTCCTTCACCCAGCCCACGACCATGCTCTT[CAGGATCCTGAA>C]AGAGAAGGTGCACGACACCCTCGTACCCTCAGCCTCCCACGCTGCTGCCACGCGGGACGC-3'

ClinVar aggregate classification (germline): Likely pathogenic. Review status: criteria provided, multiple submitters, no conflicts (2 of 4 stars). 2 submissions from 2 submitters: Likely pathogenic (2). Last evaluated 2022-05-16.

Submissions (2):

Labcorp Genetics (formerly Invitae), Labcorp
Classification: Likely pathogenic. Last evaluated: 2022-05-16. Review status: criteria provided, single submitter. Criteria: Invitae Variant Classification Sherloc (09022015). Collection method: clinical testing. Allele origin: germline.
Comment: ClinVar contains an entry for this variant (Variation ID: 806968). This variant results in the deletion of part of exon 40 (c.5379-5_5384del) of the POLE gene. It is expected to disrupt RNA splicing. Variants that disrupt the donor or acceptor splice site typically lead to a loss of protein function (PMID: 16199547), and loss-of-function variants in POLE are known to be pathogenic (PMID: 23230001, 25948378, 30503519). This variant is not present in population databases (gnomAD no frequency). This variant has not been reported in the literature in individuals affected with POLE-related conditions. Algorithms developed to predict the effect of sequence changes on RNA splicing suggest that this variant may disrupt the consensus splice site. In summary, the currently available evidence indicates that the variant is pathogenic, but additional data are needed to prove that conclusively. Therefore, this variant has been classified as Likely Pathogenic.

CeGaT Center for Human Genetics Tuebingen
Classification: Likely pathogenic. Last evaluated: 2019-03-01. Review status: criteria provided, single submitter. Criteria: CeGaT Center For Human Genetics Tuebingen Variant Classification Criteria Version 2. Collection method: clinical testing. Allele origin: germline. Affected: yes. Observed: 1 variant allele.

Literature cited by the submitters: PubMed 16199547 (cited by Labcorp Genetics (formerly Invitae), Labcorp); PubMed 23230001 (cited by Labcorp Genetics (formerly Invitae), Labcorp); PubMed 25948378 (cited by Labcorp Genetics (formerly Invitae), Labcorp); PubMed 30503519 (cited by Labcorp Genetics (formerly Invitae), Labcorp).